The following is an entry in ClinVar:

NM_006662.3(SRCAP):c.236C>T (p.Ala79Val)

Gene: SRCAP (Snf2 related CREBBP activator protein; plus strand). Cytogenetic location: 16p11.2.
Variant type: single nucleotide variant.
Coding change: c.236C>T on transcript NM_006662.3 (MANE Select); coding-DNA position 236, C replaced by T.
Protein change: p.Ala79Val; replaces alanine 79 with valine.
Molecular consequence: missense variant.
Genome position (GRCh38, 1-based): chr16:30,704,245, C>T. VCF-style: chr16-30704245-C-T. GRCh37 (hg19) VCF-style: chr16-30715566-C-T.
Other names: short protein forms A79V.
Identifiers: ClinVar variation 4174640 (VCV004174640.2).

ClinVar aggregate classification (germline): Uncertain significance. Review status: criteria provided, multiple submitters, no conflicts (2 of 4 stars). 2 submissions from 2 submitters: Uncertain significance (2). Last evaluated 2025-08-29.

Conditions:
Inborn genetic diseases. Identifiers: MedGen C0950123, MeSH D030342.

Submissions (2):

Ambry Genetics
Classification: Uncertain significance for Inborn genetic diseases. Last evaluated: 2025-08-29. Review status: criteria provided, single submitter. Criteria: Ambry Variant Classification Scheme 2023. Collection method: clinical testing. Allele origin: germline.

Labcorp Genetics (formerly Invitae), Labcorp
Classification: Uncertain significance. Last evaluated: 2025-03-10. Review status: criteria provided, single submitter. Criteria: Invitae Variant Classification Sherloc (09022015). Collection method: clinical testing. Allele origin: germline.
Comment: This sequence change replaces alanine, which is neutral and non-polar, with valine, which is neutral and non-polar, at codon 79 of the SRCAP protein (p.Ala79Val). This variant is present in population databases (rs760145023, gnomAD 0.006%). This variant has not been reported in the literature in individuals affected with SRCAP-related conditions. Invitae Evidence Modeling of protein sequence and biophysical properties (such as structural, functional, and spatial information, amino acid conservation, physicochemical variation, residue mobility, and thermodynamic stability) indicates that this missense variant is not expected to disrupt SRCAP protein function with a negative predictive value of 80%. In summary, the available evidence is currently insufficient to determine the role of this variant in disease. Therefore, it has been classified as a Variant of Uncertain Significance.